The following is an entry in ClinVar:

NM_001711.6(BGN):c.566-8T>C

Gene: BGN (biglycan; plus strand). Cytogenetic location: Xq28.
Variant type: single nucleotide variant.
Coding change: c.566-8T>C on transcript NM_001711.6 (MANE Select); 8 bases into the intron before coding-DNA position 566, T replaced by C.
Molecular consequence: intron variant.
Genome position (GRCh38, 1-based): chrX:153,506,521, T>C. VCF-style: chrX-153506521-T-C. GRCh37 (hg19) VCF-style: chrX-152771979-T-C.
Identifiers: ClinVar variation 1317251 (VCV001317251.40), dbSNP rs781871609, ClinGen allele CA10547275.
Genomic context (GRCh38, chrX:153,506,521, plus strand): 5'-GGAAGTGACAGGACCCAGGGCTGTGCAGGGACCACCAGGCTCCCGGGCTAATGAGGTCTC[T>C]CCCCTAGAGATGGGCGGGAACCCACTGGAGAACAGTGGCTTTGAACCTGGAGCCTTCGAT-3'

ClinVar aggregate classification (germline): Likely benign. Review status: criteria provided, multiple submitters, no conflicts (2 of 4 stars). 5 submissions from 5 submitters: Likely benign (5). Last evaluated 2025-12-19.

Allele frequency attached by ClinVar (database versions not stated): gnomAD 0.00005 and 0.00008; ExAC 0.00008; gnomAD exomes 0.00008; TOPMed 0.00011.
gnomAD v4.1: 89 of 1,205,562 alleles (0.0074%); highest among the groups gnomAD compares: Non-Finnish European, 0.0095%; no homozygotes.

Submissions (5):

Labcorp Genetics (formerly Invitae), Labcorp
Classification: Likely benign. Last evaluated: 2025-12-19. Review status: criteria provided, single submitter. Criteria: Invitae Variant Classification Sherloc (09022015). Collection method: clinical testing. Allele origin: germline.

CeGaT Center for Human Genetics Tuebingen
Classification: Likely benign. Last evaluated: 2025-11-01. Review status: criteria provided, single submitter. Criteria: CeGaT Center For Human Genetics Tuebingen Variant Classification Criteria Version 2. Collection method: clinical testing. Allele origin: germline. Affected: yes. Observed: 2 variant alleles.
Comment: BGN: BP4, BS2

Blueprint Genetics
Classification: Likely benign. Last evaluated: 2024-11-18. Review status: criteria provided, single submitter. Criteria: ACMG Guidelines, 2015. Collection method: clinical testing. Allele origin: germline.

ARUP Laboratories, Molecular Genetics and Genomics, ARUP Laboratories
Classification: Likely benign. Last evaluated: 2023-10-19. Review status: criteria provided, single submitter. Criteria: ARUP Molecular Germline Variant Investigation Process 2024. Collection method: clinical testing. Allele origin: germline.

GeneDx
Classification: Likely benign. Last evaluated: 2020-10-14. Review status: criteria provided, single submitter. Criteria: GeneDx Variant Classification Process June 2021. Collection method: clinical testing. Allele origin: germline. Affected: yes.